The following is an entry in ClinVar:

NM_015386.3(COG4):c.599_600del (p.Lys200fs)

Gene: COG4 (component of oligomeric golgi complex 4; minus strand). Cytogenetic location: 16q22.1.
Variant type: Deletion.
Coding change: c.599_600del on transcript NM_015386.3 (MANE Select); coding-DNA positions 599 to 600, 2 bases deleted (AA; older notation c.599_600delAA).
Protein change: p.Lys200fs; shifts the reading frame from lysine 200.
Molecular consequence: frameshift variant. On other transcripts: non-coding transcript variant (1).
Genome position (GRCh38, 1-based): chr16:70,512,377-70,512,378, TT deleted on the plus strand (AA on the coding strand, the reverse complement: COG4 is on the minus strand); deleting any 2 consecutive bases within chr16:70,512,377-70,512,379 gives the same sequence; the c. name uses the placement nearest the transcript's 3' end. VCF-style (leftmost placement, unchanged base first): chr16-70512376-CTT-C. GRCh37 (hg19) VCF-style: chr16-70546279-CTT-C.
Other names: c.587_588del, p.Lys196fs (NM_001195139.2); c.173_174del, p.Lys58fs (NM_001365426.1); short protein forms K196fs, K58fs, K200fs.
Identifiers: ClinVar variation 862921 (VCV000862921.7), dbSNP rs2049726544, ClinGen allele CA916083500.
Genomic context (GRCh38, chr16:70,512,376, plus strand): 5'-GCTCCACCTGGGGCAGATCACCTTCCTTGGTGGCAATGGCAAACTTCTCTGCCACAATGG[CTT>C]TGAGACGTTGCTCAGCTTCCTGCAGCAATTTCAGGTTGGCATCAATCATGCTCCCTGCTC-3'

ClinVar aggregate classification (germline): Pathogenic (1 of 4 stars; one submission).

Conditions:
COG4-congenital disorder of glycosylation. Also called: CONGENITAL DISORDER OF GLYCOSYLATION, TYPE IIj; CDG IIj; COG4-CDG. Identifiers: Orphanet 263501, MedGen C4303552, MONDO:0013281, OMIM 613489.

Submission:

Labcorp Genetics (formerly Invitae), Labcorp
Classification: Pathogenic for COG4-congenital disorder of glycosylation. Last evaluated: 2025-06-02. Review status: criteria provided, single submitter. Criteria: Invitae Variant Classification Sherloc (09022015). Collection method: clinical testing. Allele origin: germline.
Comment: This sequence change creates a premature translational stop signal (p.Lys200Serfs*15) in the COG4 gene. It is expected to result in an absent or disrupted protein product. Loss-of-function variants in COG4 are known to be pathogenic (PMID: 21185756). This variant is not present in population databases (gnomAD no frequency). This variant has not been reported in the literature in individuals affected with COG4-related conditions. ClinVar contains an entry for this variant (Variation ID: 862921). For these reasons, this variant has been classified as Pathogenic.

Literature cited by the submitters: PubMed 21185756.